The following is an entry in ClinVar:

NM_006230.4(POLD2):c.466+14T>C

Gene: POLD2 (DNA polymerase delta 2, accessory subunit; minus strand). Cytogenetic location: 7p13.
Variant type: single nucleotide variant.
Coding change: c.466+14T>C on transcript NM_006230.4 (MANE Select); 14 bases into the intron after coding-DNA position 466, T replaced by C.
Molecular consequence: intron variant.
Genome position (GRCh38, 1-based): chr7:44,117,605, A>G on the plus strand (T>C on the coding strand, the complement: POLD2 is on the minus strand). VCF-style: chr7-44117605-A-G. GRCh37 (hg19) VCF-style: chr7-44157204-A-G.
Other names: c.466+14T>C (NM_001127218.3, NM_001256879.2).
Identifiers: ClinVar variation 2869643 (VCV002869643.3), dbSNP rs2096242201, ClinGen allele CA1100756564.

ClinVar aggregate classification (germline): Uncertain significance (1 of 4 stars; one submission).

Allele frequency attached by ClinVar (database versions not stated): gnomAD exomes below 0.00001; TOPMed below 0.00001; gnomAD 0.00001.
gnomAD v4.1: 3 of 1,594,908 alleles (0.00019%); highest among the groups gnomAD compares: Admixed American, 0.0052%; no homozygotes.

Submission:

Labcorp Genetics (formerly Invitae), Labcorp
Classification: Uncertain significance. Last evaluated: 2023-05-15. Review status: criteria provided, single submitter. Criteria: Invitae Variant Classification Sherloc (09022015). Collection method: clinical testing. Allele origin: germline.
Comment: In summary, the available evidence is currently insufficient to determine the role of this variant in disease. Therefore, it has been classified as a Variant of Uncertain Significance. Algorithms developed to predict the effect of sequence changes on RNA splicing suggest that this variant may create or strengthen a splice site. This variant has not been reported in the literature in individuals affected with POLD2-related conditions. This variant is not present in population databases (gnomAD no frequency). This sequence change falls in intron 4 of the POLD2 gene. It does not directly change the encoded amino acid sequence of the POLD2 protein.